The following is an entry in ClinVar:

NM_152703.5(SAMD9L):c.3347A>T (p.Asn1116Ile)

Gene: SAMD9L (sterile alpha motif domain containing 9 like; minus strand). Cytogenetic location: 7q21.2.
Variant type: single nucleotide variant.
Coding change: c.3347A>T on transcript NM_152703.5 (MANE Select); coding-DNA position 3347, A replaced by T.
Protein change: p.Asn1116Ile; replaces asparagine 1116 with isoleucine.
Molecular consequence: missense variant.
Genome position (GRCh38, 1-based): chr7:93,132,625, T>A on the plus strand (A>T on the coding strand, the complement: SAMD9L is on the minus strand). VCF-style: chr7-93132625-T-A. GRCh37 (hg19) VCF-style: chr7-92761938-T-A.
Other names: c.3347A>T, p.Asn1116Ile (NM_001303496.3, NM_001303497.3, NM_001303498.3 and 5 more transcripts); short protein forms N1116I.
Identifiers: ClinVar variation 2562112 (VCV002562112.3), dbSNP rs1328038887, ClinGen allele CA368183250.

ClinVar aggregate classification (germline): Uncertain significance (1 of 4 stars; one submission).

Conditions:
Inborn genetic diseases. Identifiers: MedGen C0950123, MeSH D030342.

Allele frequency attached by ClinVar (database versions not stated): gnomAD exomes below 0.00001; gnomAD 0.00001; TOPMed 0.00001.

Submission:

Ambry Genetics
Classification: Uncertain significance for Inborn genetic diseases. Last evaluated: 2025-05-18. Review status: criteria provided, single submitter. Criteria: Ambry Variant Classification Scheme 2023. Collection method: clinical testing. Allele origin: germline.
Comment: The p.N1116I variant (also known as c.3347A>T), located in coding exon 1 of the SAMD9L gene, results from an A to T substitution at nucleotide position 3347. The asparagine at codon 1116 is replaced by isoleucine, an amino acid with dissimilar properties. This amino acid position is conserved. In addition, the in silico prediction for this alteration is inconclusive. Based on the available evidence, the clinical significance of this variant remains unclear.